The following is an entry in ClinVar:

NM_002296.4(LBR):c.1058G>A (p.Arg353Gln)

Gene: LBR (lamin B receptor; minus strand). Cytogenetic location: 1q42.12.
Variant type: single nucleotide variant.
Coding change: c.1058G>A on transcript NM_002296.4 (MANE Select); coding-DNA position 1058, G replaced by A.
Protein change: p.Arg353Gln; replaces arginine 353 with glutamine.
Molecular consequence: missense variant.
Genome position (GRCh38, 1-based): chr1:225,412,480, C>T on the plus strand (G>A on the coding strand, the complement: LBR is on the minus strand). VCF-style: chr1-225412480-C-T. GRCh37 (hg19) VCF-style: chr1-225600182-C-T.
Other names: c.1058G>A, p.Arg353Gln (NM_194442.3); short protein forms R353Q.
Identifiers: ClinVar variation 1918704 (VCV001918704.5), dbSNP rs368253687, ClinGen allele CA1417256.

ClinVar aggregate classification (germline): Uncertain significance (1 of 4 stars; one submission).

Allele frequency attached by ClinVar (database versions not stated): gnomAD 0.00001; gnomAD exomes 0.00001; TOPMed 0.00001; ExAC 0.00002; ESP Exome Variant Server 0.00008.
gnomAD v4.1: 12 of 1,613,910 alleles (0.00074%); highest among the groups gnomAD compares: African/African-American, 0.004%; no homozygotes.

Submission:

Labcorp Genetics (formerly Invitae), Labcorp
Classification: Uncertain significance. Last evaluated: 2022-03-26. Review status: criteria provided, single submitter. Criteria: Invitae Variant Classification Sherloc (09022015). Collection method: clinical testing. Allele origin: germline.
Comment: In summary, the available evidence is currently insufficient to determine the role of this variant in disease. Therefore, it has been classified as a Variant of Uncertain Significance. Advanced modeling of protein sequence and biophysical properties (such as structural, functional, and spatial information, amino acid conservation, physicochemical variation, residue mobility, and thermodynamic stability) performed at Invitae indicates that this missense variant is not expected to disrupt LBR protein function. This variant has not been reported in the literature in individuals affected with LBR-related conditions. This variant is present in population databases (rs368253687, gnomAD 0.007%). This sequence change replaces arginine, which is basic and polar, with glutamine, which is neutral and polar, at codon 353 of the LBR protein (p.Arg353Gln).